The following is an entry in ClinVar:

NM_213653.4(HJV):c.769C>T (p.Arg257Ter)

Gene: HJV (hemojuvelin BMP co-receptor; minus strand). Cytogenetic location: 1q21.1.
Variant type: single nucleotide variant.
Coding change: c.769C>T on transcript NM_213653.4 (MANE Select); coding-DNA position 769, C replaced by T.
Protein change: p.Arg257Ter; replaces arginine 257 with a stop codon.
Molecular consequence: nonsense.
Genome position (GRCh38, 1-based): chr1:146,018,589, G>A on the plus strand (C>T on the coding strand, the complement: HJV is on the minus strand). VCF-style: chr1-146018589-G-A. GRCh37 (hg19) VCF-style: chr1-145416424-C-T.
Other names: c.91C>T, p.Arg31Ter (NM_001316767.2, NM_202004.4, NM_213652.4); c.769C>T, p.Arg257Ter (NM_001379352.1); c.430C>T, p.Arg144Ter (NM_145277.5); c.769C>T (NM_213653.3); short protein forms R144*, R31*, R257*.
Identifiers: ClinVar variation 2918293 (VCV002918293.5), dbSNP rs1652495294, ClinGen allele CA342137128.
Genomic context (GRCh38, chr1:146,018,589, plus strand): 5'-GGATCTCCACATGGTTCCCAGGGTTAGCAGTTTGAATCGACAAACTGGATCCCCCAGGTC[G>A]GTCACCTCCATTGATAGAACCATCTTCAAAGGCTACAGGAAGATTATCCACCTCAGCCTG-3'

ClinVar aggregate classification (germline): Pathogenic/Likely pathogenic. Review status: criteria provided, multiple submitters, no conflicts (2 of 4 stars). 3 submissions from 3 submitters: Pathogenic (1); Likely pathogenic (2). Last evaluated 2025-11-24.

Conditions:
Hemochromatosis type 2A (HFE2A). Also called: HJV (HFE2)-Related Juvenile Hemochromatosis; Adult-Onset Hemochromatosis. Identifiers: Orphanet 79230, MedGen C1865614, MONDO:0011216, OMIM 602390.

Allele frequency attached by ClinVar (database versions not stated): gnomAD exomes below 0.00001.

Submissions (3):

Natera, Inc.
Classification: Likely pathogenic for Hemochromatosis type 2A. Last evaluated: 2025-11-24. Review status: criteria provided, single submitter. Criteria: Natera Variant Classification Schema (03/2026). Collection method: clinical testing. Allele origin: germline.
Comment: The c.769C>T variant in HJV is a nonsense variant predicted to introduce a stop codon at amino acid 257. This variant is expected to result in nonsense mediated decay, truncation, or a dysfunctional protein product. This variant is rare in the general population with a frequency below the threshold expected for the associated phenotype(s). Given the available evidence, this variant is classified as Likely Pathogenic.

Fulgent Genetics
Classification: Likely pathogenic for Hemochromatosis type 2A. Last evaluated: 2024-03-01. Review status: criteria provided, single submitter. Criteria: ACMG Guidelines, 2015. Collection method: clinical testing. Allele origin: germline.

Labcorp Genetics (formerly Invitae), Labcorp
Classification: Pathogenic. Last evaluated: 2023-05-31. Review status: criteria provided, single submitter. Criteria: Invitae Variant Classification Sherloc (09022015). Collection method: clinical testing. Allele origin: germline.
Comment: For these reasons, this variant has been classified as Pathogenic. This variant disrupts a region of the HJV protein in which other variant(s) (p.Arg385*) have been determined to be pathogenic (PMID: 14982873, 30389309). This suggests that this is a clinically significant region of the protein, and that variants that disrupt it are likely to be disease-causing. This variant has not been reported in the literature in individuals affected with HJV-related conditions. This variant is not present in population databases (gnomAD no frequency). This sequence change creates a premature translational stop signal (p.Arg257*) in the HJV gene. While this is not anticipated to result in nonsense mediated decay, it is expected to disrupt the last 170 amino acid(s) of the HJV protein.

Literature cited by the submitters: PubMed 14982873 (cited by Labcorp Genetics (formerly Invitae), Labcorp); PubMed 30389309 (cited by Labcorp Genetics (formerly Invitae), Labcorp).